The following is an entry in ClinVar:

ClinVar aggregate classification (germline): Uncertain significance (1 of 4 stars; one submission).

Submission:

Labcorp Genetics (formerly Invitae), Labcorp
Classification: Uncertain significance. Last evaluated: 2023-10-19. Review status: criteria provided, single submitter. Criteria: Invitae Variant Classification Sherloc (09022015). Collection method: clinical testing. Allele origin: germline.
Comment: This sequence change replaces alanine, which is neutral and non-polar, with serine, which is neutral and polar, at codon 715 of the CYFIP2 protein (p.Ala715Ser). This variant is not present in population databases (gnomAD no frequency). This variant has not been reported in the literature in individuals affected with CYFIP2-related conditions. Experimental studies and prediction algorithms are not available or were not evaluated, and the functional significance of this variant is currently unknown. In summary, the available evidence is currently insufficient to determine the role of this variant in disease. Therefore, it has been classified as a Variant of Uncertain Significance.

NM_001037333.3(CYFIP2):c.2143G>T (p.Ala715Ser)

Gene: CYFIP2 (cytoplasmic FMR1 interacting protein 2; plus strand). Cytogenetic location: 5q33.3.
Variant type: single nucleotide variant.
Coding change: c.2143G>T on transcript NM_001037333.3 (MANE Select); coding-DNA position 2143, G replaced by T.
Protein change: p.Ala715Ser; replaces alanine 715 with serine.
Molecular consequence: missense variant.
Genome position (GRCh38, 1-based): chr5:157,328,036, G>T. VCF-style: chr5-157328036-G-T. GRCh37 (hg19) VCF-style: chr5-156755044-G-T.
Other names: c.2065G>T, p.Ala689Ser (NM_001291721.2); c.2218G>T, p.Ala740Ser (NM_001291722.2); c.2143G>T, p.Ala715Ser (NM_014376.4); short protein forms A689S, A715S, A740S.
Identifiers: ClinVar variation 2797412 (VCV002797412.3), dbSNP rs2532430346, ClinGen allele CA361970808.